The following is an entry in ClinVar:

ClinVar aggregate classification (germline): Uncertain significance (1 of 4 stars; one submission).

Conditions:
Very long chain acyl-CoA dehydrogenase deficiency (ACADVLD). Also called: VLCAD Deficiency; Very Long-Chain Acyl-Coenzyme A Dehydrogenase Deficiency. Identifiers: Orphanet 26793, MedGen C3887523, MONDO:0008723, OMIM 201475.

Submission:

Labcorp Genetics (formerly Invitae), Labcorp
Classification: Uncertain significance for Very long chain acyl-CoA dehydrogenase deficiency. Last evaluated: 2022-03-10. Review status: criteria provided, single submitter. Criteria: Invitae Variant Classification Sherloc (09022015). Collection method: clinical testing. Allele origin: germline.
Comment: This variant is not present in population databases (gnomAD no frequency). In summary, the available evidence is currently insufficient to determine the role of this variant in disease. Therefore, it has been classified as a Variant of Uncertain Significance. Algorithms developed to predict the effect of missense changes on protein structure and function are either unavailable or do not agree on the potential impact of this missense change (SIFT: "Deleterious"; PolyPhen-2: "Possibly Damaging"; Align-GVGD: "Class C0"). This variant has not been reported in the literature in individuals affected with ACADVL-related conditions. This sequence change replaces threonine, which is neutral and polar, with arginine, which is basic and polar, at codon 595 of the ACADVL protein (p.Thr595Arg).

NM_000018.4(ACADVL):c.1784C>G (p.Thr595Arg)

Gene: ACADVL (acyl-CoA dehydrogenase very long chain; plus strand). Cytogenetic location: 17p13.1.
Variant type: single nucleotide variant.
Coding change: c.1784C>G on transcript NM_000018.4 (MANE Select); coding-DNA position 1784, C replaced by G.
Protein change: p.Thr595Arg; replaces threonine 595 with arginine.
Molecular consequence: missense variant.
Genome position (GRCh38, 1-based): chr17:7,224,841, C>G. VCF-style: chr17-7224841-C-G. GRCh37 (hg19) VCF-style: chr17-7128160-C-G.
Other names: c.1718C>G, p.Thr573Arg (NM_001033859.3); c.1853C>G, p.Thr618Arg (NM_001270447.2); c.1556C>G, p.Thr519Arg (NM_001270448.2); short protein forms T519R, T595R, T618R, T573R.
Identifiers: ClinVar variation 2155527 (VCV002155527.4), dbSNP rs770964020, ClinGen allele CA397725873.